The following is an entry in ClinVar:

NM_182931.3(KMT2E):c.4923ACA[1] (p.Gln1643del)

Gene: KMT2E (lysine methyltransferase 2E (inactive); plus strand). Cytogenetic location: 7q22.3.
Variant type: Microsatellite.
Coding change: c.4923ACA[1] on transcript NM_182931.3 (MANE Select); one copy of the 3-base unit ACA starting at c.4923; the reference has two copies in a row; one copy, 3 bases deleted.
Protein change: p.Gln1643del; deletes glutamine 1643.
Genome position (GRCh38, 1-based): chr7:105,112,682-105,112,684, ACA deleted; deleting any 3 consecutive bases within chr7:105,112,679-105,112,684 gives the same sequence; the position shown is the placement nearest the transcript's 3' end. VCF-style (leftmost placement, unchanged base first): chr7-105112678-TACA-T. GRCh37 (hg19) VCF-style: chr7-104753125-TACA-T.
Other names: c.4797ACA[1], p.Gln1601del (NM_001410908.1); c.4923ACA[1], p.Gln1643del (NM_018682.4); short protein forms Q1601del, Q1643del.
Identifiers: ClinVar variation 4087964 (VCV004087964.1).

ClinVar aggregate classification (germline): Uncertain significance (1 of 4 stars; one submission).

Submission:

GeneDx
Classification: Uncertain significance. Last evaluated: 2025-03-27. Review status: criteria provided, single submitter. Criteria: GeneDx Variant Classification Process June 2021. Collection method: clinical testing. Allele origin: germline. Affected: yes.
Comment: Not observed at significant frequency in large population cohorts (gnomAD); In-frame deletion of 1 amino acid(s) in a non-repeat region; In silico analysis indicates that this variant does not alter protein structure/function; Has not been previously published as pathogenic or benign to our knowledge